The following is an entry in ClinVar:

NM_014946.4(SPAST):c.985A>G (p.Met329Val)

Gene: SPAST (spastin; plus strand). Cytogenetic location: 2p22.3.
Variant type: single nucleotide variant.
Coding change: c.985A>G on transcript NM_014946.4 (MANE Select); coding-DNA position 985, A replaced by G.
Protein change: p.Met329Val; replaces methionine 329 with valine.
Molecular consequence: missense variant.
Genome position (GRCh38, 1-based): chr2:32,115,816, A>G. VCF-style: chr2-32115816-A-G. GRCh37 (hg19) VCF-style: chr2-32340885-A-G.
Other names: c.982A>G, p.Met328Val (NM_001363823.2); c.886A>G, p.Met296Val (NM_001363875.2); c.889A>G, p.Met297Val (NM_001377959.1, NM_199436.2); short protein forms M297V, M329V, M328V, M296V.
Identifiers: ClinVar variation 1381025 (VCV001381025.8), dbSNP rs1314415557, ClinGen allele CA346499326.
Genomic context (GRCh38, chr2:32,115,816, plus strand): 5'-CGTAAGAAAAAAGACTTGAAGAATTTTAGGAATGTGGACAGCAACCTTGCTAACCTTATA[A>G]TGAATGAAATTGTGGACAAGTAAGTTTTGCCATCTAAATGTTTTATTTTATAGTTTTTAT-3'
Protein context (NP_055761.2, residues 319-339): NVDSNLANLI[Met329Val]NEIVDNGTAV

ClinVar aggregate classification (germline): Uncertain significance (1 of 4 stars; one submission).

Conditions:
Hereditary spastic paraplegia 4. Also called: Familial spastic paraplegia autosomal dominant 2; Spastic paraplegia 4, autosomal dominant; Spastic Paraplegia 4. Identifiers: Orphanet 100985, MedGen C1866855, MONDO:0008438, OMIM 182601.

Submission:

Labcorp Genetics (formerly Invitae), Labcorp
Classification: Uncertain significance for Hereditary spastic paraplegia 4. Last evaluated: 2020-11-02. Review status: criteria provided, single submitter. Criteria: Invitae Variant Classification Sherloc (09022015). Collection method: clinical testing. Allele origin: germline.
Comment: This sequence change replaces methionine with valine at codon 329 of the SPAST protein (p.Met329Val). The methionine residue is weakly conserved and there is a small physicochemical difference between methionine and valine. This variant is not present in population databases (ExAC no frequency). This variant has not been reported in the literature in individuals with SPAST-related conditions. Advanced modeling of protein sequence and biophysical properties (such as structural, functional, and spatial information, amino acid conservation, physicochemical variation, residue mobility, and thermodynamic stability) performed at Invitae indicates that this missense variant is not expected to disrupt SPAST protein function. Algorithms developed to predict the effect of sequence changes on RNA splicing suggest that this variant may create or strengthen a splice site, but this prediction has not been confirmed by published transcriptional studies. In summary, the available evidence is currently insufficient to determine the role of this variant in disease. Therefore, it has been classified as a Variant of Uncertain Significance.